The following is an entry in ClinVar:

ClinVar aggregate classification (germline): Likely benign (1 of 4 stars; one submission).

gnomAD v4.1: 817 of 1,614,214 alleles (0.051%); highest among the groups gnomAD compares: South Asian, 0.84%; 10 homozygotes.

Submission:

CeGaT Center for Human Genetics Tuebingen
Classification: Likely benign. Last evaluated: 2026-06-01. Review status: criteria provided, single submitter. Criteria: CeGaT Center For Human Genetics Tuebingen Variant Classification Criteria Version 2. Collection method: clinical testing. Allele origin: germline. Affected: yes. Observed: 1 variant allele.
Comment: UBE4A: BP4, BP7

NM_001204077.2(UBE4A):c.1746A>G (p.Gln582=)

Gene: UBE4A (ubiquitination factor E4A; plus strand). Cytogenetic location: 11q23.3.
Variant type: single nucleotide variant.
Coding change: c.1746A>G on transcript NM_001204077.2 (MANE Select); coding-DNA position 1746, A replaced by G.
Protein change: p.Gln582=; no amino-acid change (glutamine 582 retained).
Molecular consequence: synonymous variant.
Genome position (GRCh38, 1-based): chr11:118,379,620, A>G. VCF-style: chr11-118379620-A-G. GRCh37 (hg19) VCF-style: chr11-118250335-A-G.
Other names: c.1767A>G, p.Gln589= (NM_004788.4).
Identifiers: ClinVar variation 4872128 (VCV004872128.2).